The following is an entry in ClinVar:

ClinVar aggregate classification (germline): Uncertain significance (1 of 4 stars; one submission).

Submission:

GeneDx
Classification: Uncertain significance. Last evaluated: 2022-12-27. Review status: criteria provided, single submitter. Criteria: GeneDx Variant Classification Process June 2021. Collection method: clinical testing. Allele origin: germline. Affected: yes.
Comment: Not observed at significant frequency in large population cohorts (gnomAD); In silico analysis supports that this missense variant does not alter protein structure/function; Has not been previously published as pathogenic or benign to our knowledge

NM_022552.5(DNMT3A):c.1300G>C (p.Glu434Gln)

Gene: DNMT3A (DNA methyltransferase 3 alpha; minus strand). Cytogenetic location: 2p23.3.
Variant type: single nucleotide variant.
Coding change: c.1300G>C on transcript NM_022552.5 (MANE Select); coding-DNA position 1300, G replaced by C.
Protein change: p.Glu434Gln; replaces glutamic acid 434 with glutamine.
Molecular consequence: missense variant. On other transcripts: non-coding transcript variant (1).
Genome position (GRCh38, 1-based): chr2:25,246,289, C>G on the plus strand (G>C on the coding strand, the complement: DNMT3A is on the minus strand). VCF-style: chr2-25246289-C-G. GRCh37 (hg19) VCF-style: chr2-25469158-C-G.
Other names: c.844G>C, p.Glu282Gln (NM_001320893.1); c.631G>C, p.Glu211Gln (NM_001375819.1); c.733G>C, p.Glu245Gln (NM_153759.3); c.1300G>C, p.Glu434Gln (NM_175629.2); short protein forms E211Q, E245Q, E282Q, E434Q.
Identifiers: ClinVar variation 2507149 (VCV002507149.1), dbSNP rs2149300803, ClinGen allele CA346072897.